The following is an entry in ClinVar:

NM_032725.4(BUD13):c.1693C>T (p.Arg565Cys)

Gene: BUD13 (BUD13 spliceosome associated protein; minus strand). Cytogenetic location: 11q23.3.
Variant type: single nucleotide variant.
Coding change: c.1693C>T on transcript NM_032725.4 (MANE Select); coding-DNA position 1693, C replaced by T.
Protein change: p.Arg565Cys; replaces arginine 565 with cysteine.
Molecular consequence: missense variant.
Genome position (GRCh38, 1-based): chr11:116,757,219, G>A on the plus strand (C>T on the coding strand, the complement: BUD13 is on the minus strand). VCF-style: chr11-116757219-G-A. GRCh37 (hg19) VCF-style: chr11-116627935-G-A.
Other names: c.1291C>T, p.Arg431Cys (NM_001159736.2); short protein forms R565C, R431C.
Identifiers: ClinVar variation 3262328 (VCV003262328.2).

ClinVar aggregate classification (germline): Conflicting classifications of pathogenicity. Review status: criteria provided, conflicting classifications (1 of 4 stars). 2 submissions from 2 submitters: Uncertain significance (1); Likely benign (1). Last evaluated 2026-03-05.

Conditions:
Achalasia-progeroid syndrome. Identifiers: MedGen C6012702, MONDO:0700300, OMIM 621123.

gnomAD v4.1: 22 of 1,613,788 alleles (0.0014%); highest among the groups gnomAD compares: Middle Eastern, 0.016%; no homozygotes.

Submissions (2):

Centre for Medical Genetics,  Mumbai
Classification: Likely benign for Achalasia-progeroid syndrome. Last evaluated: 2026-03-05. Review status: criteria provided, single submitter. Criteria: ACMG Guidelines, 2015. Collection method: provider interpretation. Allele origin: germline. Inheritance: Autosomal recessive inheritance. Affected: no. Observed: 1 variant allele, 1 homozygote.
Comment: The variant satisfies PM2 criteria; Extremely low frequency in gnomAD population databases. The variant satisfies BP4 criteria; For a missense or a splice region variant, computational prediction tools unanimously support a benign effect on the gene. However, the variant satisfies BS2 criteria.

Ambry Genetics
Classification: Uncertain significance. Last evaluated: 2024-04-16. Review status: criteria provided, single submitter. Criteria: Ambry Variant Classification Scheme 2023. Collection method: clinical testing. Allele origin: germline.

Literature cited by the submitters: PubMed 35670808 (cited by Centre for Medical Genetics,  Mumbai).